The following is an entry in ClinVar:

ClinVar aggregate classification (germline): Likely benign (1 of 4 stars; one submission).

Allele frequency attached by ClinVar (database versions not stated): gnomAD exomes 0.00001; ExAC 0.00006; TOPMed 0.00017; gnomAD 0.00020; 1000 Genomes Project 0.00100; 1000 Genomes Project 30x 0.00125.
gnomAD v4.1: 53 of 1,605,314 alleles (0.0033%); highest among the groups gnomAD compares: African/African-American, 0.067%; no homozygotes.

Submission:

CeGaT Center for Human Genetics Tuebingen
Classification: Likely benign. Last evaluated: 2022-04-01. Review status: criteria provided, single submitter. Criteria: CeGaT Center For Human Genetics Tuebingen Variant Classification Criteria Version 2. Collection method: clinical testing. Allele origin: germline. Affected: yes. Observed: 1 variant allele.
Comment: MACROD1: BP4, BP7

NM_014067.4(MACROD1):c.960C>T (p.His320=)

Gene: MACROD1 (mono-ADP ribosylhydrolase 1; minus strand). Cytogenetic location: 11q13.1.
Variant type: single nucleotide variant.
Coding change: c.960C>T on transcript NM_014067.4 (MANE Select); coding-DNA position 960, C replaced by T.
Protein change: p.His320=; no amino-acid change (histidine 320 retained).
Molecular consequence: synonymous variant.
Genome position (GRCh38, 1-based): chr11:63,998,968, G>A on the plus strand (C>T on the coding strand, the complement: MACROD1 is on the minus strand). VCF-style: chr11-63998968-G-A. GRCh37 (hg19) VCF-style: chr11-63766440-G-A.
Other names: c.960C>T, p.His320= (NM_001411019.1).
Identifiers: ClinVar variation 2641906 (VCV002641906.24), dbSNP rs548999037, ClinGen allele CA6067144.